The following is an entry in ClinVar:

ClinVar aggregate classification (germline): Likely pathogenic (1 of 4 stars; one submission).

Conditions:
Rhabdoid tumor predisposition syndrome 2 (RTPS2). Identifiers: Orphanet 231108, Orphanet 69077, MedGen C2750074, MONDO:0013224, OMIM 613325.

Submission:

Labcorp Genetics (formerly Invitae), Labcorp
Classification: Likely pathogenic for Rhabdoid tumor predisposition syndrome 2. Last evaluated: 2022-03-07. Review status: criteria provided, single submitter. Criteria: Invitae Variant Classification Sherloc (09022015). Collection method: clinical testing. Allele origin: germline.
Comment: This sequence change affects an acceptor splice site in intron 20 of the SMARCA4 gene. It is expected to disrupt RNA splicing. Variants that disrupt the donor or acceptor splice site typically lead to a loss of protein function (PMID: 16199547), and loss-of-function variants in SMARCA4 are known to be pathogenic (PMID: 24658001, 24658002). This variant is not present in population databases (gnomAD no frequency). This variant has not been reported in the literature in individuals affected with SMARCA4-related conditions. Algorithms developed to predict the effect of sequence changes on RNA splicing suggest that this variant may disrupt the consensus splice site. In summary, the currently available evidence indicates that the variant is pathogenic, but additional data are needed to prove that conclusively. Therefore, this variant has been classified as Likely Pathogenic.

Literature cited by the submitters: PubMed 16199547; PubMed 24658001; PubMed 24658002.

NM_003072.5(SMARCA4):c.2974-2A>G

Gene: SMARCA4 (SWI/SNF related BAF chromatin remodeling complex subunit ATPase 4; plus strand). Cytogenetic location: 19p13.2.
Variant type: single nucleotide variant.
Coding change: c.2974-2A>G on transcript NM_003072.5 (MANE Select); the canonical splice acceptor site of the intron before coding-DNA position 2974, A replaced by G.
Molecular consequence: splice acceptor variant.
Genome position (GRCh38, 1-based): chr19:11,024,329, A>G. VCF-style: chr19-11024329-A-G. GRCh37 (hg19) VCF-style: chr19-11135005-A-G.
Other names: c.2974-2A>G (NM_001128844.3, NM_001128849.3, NM_001128847.4 and 6 more transcripts).
Identifiers: ClinVar variation 1509885 (VCV001509885.8), dbSNP rs2146471651, ClinGen allele CA404058731.